The following is an entry in ClinVar:

ClinVar aggregate classification (germline): Pathogenic. Review status: criteria provided, multiple submitters, no conflicts (2 of 4 stars). 6 submissions from 6 submitters: Pathogenic (4). 2 of the submissions do not count toward it. Last evaluated 2023-09-08.

Conditions:
Gastric cancer. Also called: Stomach cancer; Malignant tumor of stomach. Identifiers: MedGen C0024623, MeSH D013274, MONDO:0001056, OMIM 613659, HP:0012126.
Hereditary cancer-predisposing syndrome. Also called: Neoplastic Syndromes, Hereditary; Hereditary neoplastic syndrome; Hereditary Cancer Syndrome; Tumor predisposition. Identifiers: Orphanet 140162, MedGen C0027672, MeSH D009386, MONDO:0015356.
Familial cancer of breast. Also called: hereditary breast carcinoma; BREAST CANCER, FAMILIAL; Hereditary breast cancer. Identifiers: Orphanet 227535, MedGen C0346153, MONDO:0016419, OMIM 114480. Disease mechanism: loss of function.

Submissions (6):

Myriad Genetics, Inc.
Classification: Pathogenic for Familial cancer of breast. Last evaluated: 2023-09-08. Review status: criteria provided, single submitter. Criteria: Myriad Autosomal Dominant, Autosomal Recessive and X-Linked Classification Criteria (2023). Collection method: clinical testing. Allele origin: unknown.
Comment: This variant is considered pathogenic. This variant creates a frameshift predicted to result in premature protein truncation.

Labcorp Genetics (formerly Invitae), Labcorp
Classification: Pathogenic for Familial cancer of breast. Last evaluated: 2023-03-22. Review status: criteria provided, single submitter. Criteria: Invitae Variant Classification Sherloc (09022015). Collection method: clinical testing. Allele origin: germline.
Comment: For these reasons, this variant has been classified as Pathogenic. ClinVar contains an entry for this variant (Variation ID: 230176). This premature translational stop signal has been observed in individual(s) with breast cancer (PMID: 32339256). This variant is not present in population databases (gnomAD no frequency). This sequence change creates a premature translational stop signal (p.Leu403Cysfs*21) in the PALB2 gene. It is expected to result in an absent or disrupted protein product. Loss-of-function variants in PALB2 are known to be pathogenic (PMID: 17200668, 17200671, 17200672, 24136930, 25099575).

Color Diagnostics, LLC DBA Color Health
Classification: Pathogenic for Hereditary cancer-predisposing syndrome. Last evaluated: 2019-09-25. Review status: criteria provided, single submitter. Criteria: ACMG Guidelines, 2015. Collection method: clinical testing. Allele origin: germline.
Comment: This variant deletes 1 nucleotide in exon 4 of the PALB2 gene, creating a frameshift and premature translation stop signal. This variant is expected to result in an absent or non-functional protein product. Splice site prediction tools suggest that this variant may not impact RNA splicing. To our knowledge, functional studies have not been performed for this variant. This variant has not been reported in individuals affected with hereditary cancer in the literature. This variant has not been identified in the general population by the Genome Aggregation Database (gnomAD). Loss of PALB2 function is a known mechanism of disease. Based on the available evidence, this variant is classified as Pathogenic.

Ambry Genetics
Classification: Pathogenic for Hereditary cancer-predisposing syndrome. Last evaluated: 2015-01-19. Review status: criteria provided, single submitter. Criteria: Ambry Variant Classification Scheme 2023. Collection method: clinical testing. Allele origin: germline.
Comment: The c.1206delT pathogenic mutation, located in coding exon 4 of the PALB2 gene, results from a deletion of one nucleotide at position 1206, causing a translational frameshift with a predicted alternate stop codon. Since frameshifts are typically deleterious in nature, this alteration is interpreted as a disease-causing mutation (ACMG Recommendations for Standards for Interpretation and Reporting of Sequence Variations. Revision 2007. Genet Med. 2008;10:294).

Laboratory for Genotyping Development, RIKEN
Classification: Pathogenic for Gastric cancer. Last evaluated: 2021-07-01. Review status: no assertion criteria provided. Collection method: research. Allele origin: germline. Not counted in ClinVar's aggregate classification.

Leiden Open Variation Database
Classification: Pathogenic for Familial cancer of breast. Last evaluated: 2019-05-13. Review status: no assertion criteria provided. Collection method: curation. Allele origin: germline. Affected: yes. Not counted in ClinVar's aggregate classification.
Comment: Curators: Marc Tischkowitz, Arleen D. Auerbach. Submitter to LOVD: Marc Tischkowitz.

Literature cited by the submitters: PubMed 32339256 (cited by Labcorp Genetics (formerly Invitae), Labcorp); PubMed 17200668 (cited by Labcorp Genetics (formerly Invitae), Labcorp); PubMed 17200671 (cited by Labcorp Genetics (formerly Invitae), Labcorp); PubMed 17200672 (cited by Labcorp Genetics (formerly Invitae), Labcorp); PubMed 24136930 (cited by Labcorp Genetics (formerly Invitae), Labcorp); PubMed 25099575 (cited by Labcorp Genetics (formerly Invitae), Labcorp); PubMed 36988593 (cited by Laboratory for Genotyping Development, RIKEN); PubMed 25186627 (cited by Leiden Open Variation Database).

NM_024675.4(PALB2):c.1206del (p.Leu403fs)

Gene: PALB2 (partner and localizer of BRCA2; minus strand). Cytogenetic location: 16p12.2.
Variant type: Deletion.
Coding change: c.1206del on transcript NM_024675.4 (MANE Select); coding-DNA position 1206, one base deleted (T; older notation c.1206delT).
Protein change: p.Leu403fs; shifts the reading frame from leucine 403.
Molecular consequence: frameshift variant.
Genome position (GRCh38, 1-based): chr16:23,635,340, A deleted on the plus strand (T on the coding strand, the reverse complement: PALB2 is on the minus strand); the first of 2 consecutive A bases (chr16:23,635,340-23,635,341); deleting either gives the same sequence. VCF-style (leftmost placement, unchanged base first): chr16-23635339-GA-G. GRCh37 (hg19) VCF-style: chr16-23646660-GA-G.
Other names: c.1206delT (NM_024675.3); short protein forms L403fs.
Identifiers: ClinVar variation 230176 (VCV000230176.32), dbSNP rs876658431, ClinGen allele CA10580018.